The following is an entry in ClinVar:

ClinVar aggregate classification (germline): Conflicting classifications of pathogenicity. Review status: criteria provided, conflicting classifications (1 of 4 stars). 4 submissions from 4 submitters: Uncertain significance (1); Likely benign (2). 1 of the submissions does not count toward it. Last evaluated 2026-07-01.

Conditions:
Greenberg dysplasia (GRBGD). Also called: HEM SKELETAL DYSPLASIA; MOTH-EATEN SKELETAL DYSPLASIA; CHONDRODYSTROPHY, HYDROPIC AND PRENATALLY LETHAL TYPE. Identifiers: Orphanet 1426, MedGen C2931048, MONDO:0008974, OMIM 215140.
LBR-related disorder. Also called: LBR-related condition; LBR-related disorders.

Allele frequency attached by ClinVar (database versions not stated): 1000 Genomes Project 0.00220; 1000 Genomes Project 30x 0.00344; TOPMed 0.00351.

Submissions (4):

CeGaT Center for Human Genetics Tuebingen
Classification: Likely benign. Last evaluated: 2026-07-01. Review status: criteria provided, single submitter. Criteria: CeGaT Center For Human Genetics Tuebingen Variant Classification Criteria Version 2. Collection method: clinical testing. Allele origin: germline. Affected: yes. Observed: 2 variant alleles.
Comment: LBR: BS1

Illumina Laboratory Services, Illumina
Classification: Uncertain significance for Greenberg dysplasia. Last evaluated: 2018-01-13. Review status: criteria provided, single submitter. Criteria: ICSL Variant Classification Criteria 13 December 2019. Collection method: clinical testing. Allele origin: germline.

ARUP Laboratories, Molecular Genetics and Genomics, ARUP Laboratories
Classification: Likely benign. Last evaluated: 2017-08-17. Review status: criteria provided, single submitter. Criteria: ARUP Molecular Germline Variant Investigation Process. Collection method: clinical testing. Allele origin: germline.

PreventionGenetics, part of Exact Sciences
Classification: Likely benign for LBR-related condition. Last evaluated: 2021-09-07. Review status: no assertion criteria provided. Collection method: clinical testing. Allele origin: germline. Not counted in ClinVar's aggregate classification.
Comment: This variant is classified as likely benign based on ACMG/AMP sequence variant interpretation guidelines (Richards et al. 2015 PMID: 25741868, with internal and published modifications).

NM_002296.4(LBR):c.-39G>C

Gene: LBR (lamin B receptor; minus strand). Cytogenetic location: 1q42.12.
Variant type: single nucleotide variant.
Coding change: c.-39G>C on transcript NM_002296.4 (MANE Select); 39 bases upstream of the start codon, G replaced by C.
Molecular consequence: 5 prime UTR variant. On other transcripts: intron variant (1).
Genome position (GRCh38, 1-based): chr1:225,427,978, C>G on the plus strand (G>C on the coding strand, the complement: LBR is on the minus strand). VCF-style: chr1-225427978-C-G. GRCh37 (hg19) VCF-style: chr1-225615680-C-G.
Other names: c.-15+728G>C (NM_194442.3).
Identifiers: ClinVar variation 295952 (VCV000295952.16), dbSNP rs553408012, ClinGen allele CA10609247.
Genomic context (GRCh38, chr1:225,427,978, plus strand): 5'-GGGAGCTGGGAGCAGGGCGGGGGTGGAAGCACTCACCTGCGCCAGGTTCCGGCGGTGACA[C>G]GGACGGCTCCCGGAGAATAGTCGCACAGCAACCCGGCGGCAGATCCACGCGCGCGACGCT-3'